The following is an entry in ClinVar:

NM_022574.4:c.1604C>A

Gene: GIGYF1 (GRB10 interacting GYF protein 1; minus strand).
Variant type: single nucleotide variant.
Identifiers: ClinVar variation 4263662 (VCV004263662.1).

ClinVar aggregate classification (germline): Uncertain significance (1 of 4 stars; one submission).

Submission:

Ambry Genetics
Classification: Uncertain significance. Last evaluated: 2025-07-28. Review status: criteria provided, single submitter. Criteria: Ambry Variant Classification Scheme 2023. Collection method: clinical testing. Allele origin: germline.
Comment: The c.1604C>A (p.P535Q) alteration is located in exon 13 (coding exon 13) of the GIGYF1 gene. This alteration results from a C to A substitution at nucleotide position 1604, causing the proline (P) at amino acid position 535 to be replaced by a glutamine (Q). This variant was not reported in population-based cohorts in the Genome Aggregation Database (gnomAD). This amino acid position is highly conserved in available vertebrate species. The in silico prediction for this alteration is inconclusive. Based on insufficient or conflicting evidence, the clinical significance of this alteration remains unclear.